The following is an entry in ClinVar:

ClinVar aggregate classification (germline): Conflicting classifications of pathogenicity. Review status: criteria provided, conflicting classifications (1 of 4 stars). 4 submissions from 4 submitters: Likely pathogenic (1); Uncertain significance (3). Last evaluated 2026-04-06.

Conditions:
Retinitis pigmentosa 20 (RP20). Identifiers: Orphanet 791, MedGen C3151086, MONDO:0013425, OMIM 613794.
Leber congenital amaurosis 2 (LCA2). Also called: AMAUROSIS CONGENITA OF LEBER II; Autosomal Recessive RPE65-Related Retinal Degeneration. Identifiers: Orphanet 65, MedGen C1859844, MONDO:0008765, OMIM 204100. Disease mechanism: loss of function.
RPE65-related disorder. Also called: RPE65-related condition; RPE65-related disorders. Identifiers: MedGen CN239301.
RPE65-related recessive retinopathy. Also called: Recessive RPE65 retinopathy. Identifiers: MedGen CN305526, MONDO:0100368.

gnomAD v4.1: 10 of 1,614,046 alleles (0.00062%); highest among the groups gnomAD compares: Non-Finnish European, 0.00068%; no homozygotes.

Submissions (4):

GeneDx
Classification: Uncertain significance. Last evaluated: 2026-04-06. Review status: criteria provided, single submitter. Criteria: GeneDx Variant Classification Process June 2021. Collection method: clinical testing. Allele origin: germline.
Comment: Not observed at significant frequency in large population cohorts (gnomAD); In silico analysis suggests that this missense variant does not alter protein structure/function; This variant is associated with the following publications: (PMID: 31964843, 20811047, 30268864)

Myriad Genetics, Inc.
Classification: Uncertain significance for RPE65-related recessive retinopathy. Last evaluated: 2025-11-04. Review status: criteria provided, single submitter. Criteria: Myriad Autosomal Dominant, Autosomal Recessive and X-Linked Classification Criteria (2023). Collection method: clinical testing. Allele origin: unknown.
Comment: NM_000329.2(RPE65):c.406G>T(V136F) is a missense variant classified as a variant of uncertain significance in the context of inherited retinal dystrophy, RPE65-related. V136F has been observed in cases with relevant disease (PMID: 30268864, 20811047). Relevant functional assessments of this variant are not available in the literature. V136F has been observed in referenced population frequency databases. In summary, there is insufficient evidence to classify NM_000329.2(RPE65):c.406G>T(V136F) as pathogenic or benign. Please note: this variant was assessed in the context of healthy population screening.

Labcorp Genetics (formerly Invitae), Labcorp
Classification: Uncertain significance for Leber congenital amaurosis 2; Retinitis pigmentosa 20. Last evaluated: 2024-10-06. Review status: criteria provided, single submitter. Criteria: Invitae Variant Classification Sherloc (09022015). Collection method: clinical testing. Allele origin: germline.
Comment: This sequence change replaces valine, which is neutral and non-polar, with phenylalanine, which is neutral and non-polar, at codon 136 of the RPE65 protein (p.Val136Phe). This variant is present in population databases (rs544763671, gnomAD 0.002%). This missense change has been observed in individual(s) with autosomal recessive inherited retinal disease and/or severe early childhood onset retinal dystrophy (PMID: 20811047, 30268864). Invitae Evidence Modeling of protein sequence and biophysical properties (such as structural, functional, and spatial information, amino acid conservation, physicochemical variation, residue mobility, and thermodynamic stability) indicates that this missense variant is not expected to disrupt RPE65 protein function with a negative predictive value of 80%. In summary, the available evidence is currently insufficient to determine the role of this variant in disease. Therefore, it has been classified as a Variant of Uncertain Significance.

Blueprint Genetics
Classification: Likely pathogenic for RPE65-related disorders. Last evaluated: 2022-05-08. Review status: criteria provided, single submitter. Criteria: ACMG Guidelines, 2015. Collection method: clinical testing. Allele origin: germline. Affected: yes. Observed: 5 variant alleles.

Literature cited by the submitters: PubMed 20811047 (cited by Myriad Genetics, Inc. and Labcorp Genetics (formerly Invitae), Labcorp); PubMed 30268864 (cited by Myriad Genetics, Inc. and Labcorp Genetics (formerly Invitae), Labcorp).

NM_000329.3(RPE65):c.406G>T (p.Val136Phe)

Gene: RPE65 (retinoid isomerohydrolase RPE65; minus strand). Cytogenetic location: 1p31.3.
Variant type: single nucleotide variant.
Coding change: c.406G>T on transcript NM_000329.3 (MANE Select); coding-DNA position 406, G replaced by T.
Protein change: p.Val136Phe; replaces valine 136 with phenylalanine.
Molecular consequence: missense variant.
Genome position (GRCh38, 1-based): chr1:68,444,620, C>A on the plus strand (G>T on the coding strand, the complement: RPE65 is on the minus strand). VCF-style: chr1-68444620-C-A. GRCh37 (hg19) VCF-style: chr1-68910303-C-A.
Other names: c.298G>T, p.Val100Phe (NM_001406853.1); c.130G>T, p.Val44Phe (NM_001406856.1, NM_001406857.1); c.406G>T, p.Val136Phe (NM_001406859.1, NM_001406860.1); c.406G>T (NM_000329.2); short protein forms V100F, V136F, V44F.
Identifiers: ClinVar variation 3759019 (VCV003759019.5).